The following is an entry in ClinVar:

ClinVar aggregate classification (germline): Pathogenic (3 of 4 stars; one submission).

Conditions:
Breast-ovarian cancer, familial, susceptibility to, 2 (BROVCA2). Also called: BRCA2 Hereditary Breast and Ovarian Cancer. Identifiers: Orphanet 145, MedGen C2675520, MONDO:0012933, OMIM 612555. Disease mechanism: loss of function.

Submission:

Evidence-based Network for the Interpretation of Germline Mutant Alleles (ENIGMA)
Classification: Pathogenic for Breast-ovarian cancer, familial, susceptibility to, 2. Last evaluated: 2016-10-18. Review status: reviewed by expert panel. Criteria: ENIGMA BRCA1/2 Classification Criteria (2015). Collection method: curation. Allele origin: germline.
Comment: Variant allele predicted to encode a truncated non-functional protein.

NM_000059.4(BRCA2):c.5353dup (p.Thr1785fs)

Gene: BRCA2 (BRCA2 DNA repair associated; plus strand). Cytogenetic location: 13q13.1.
Variant type: Duplication.
Coding change: c.5353dup on transcript NM_000059.4 (MANE Select); coding-DNA position 5353, one base duplicated (A; older notation c.5353dupA).
Protein change: p.Thr1785fs; shifts the reading frame from threonine 1785.
Molecular consequence: frameshift variant.
Genome position (GRCh38, 1-based): chr13:32,339,708, A duplicated. VCF-style (leftmost placement, unchanged base first): chr13-32339707-C-CA. GRCh37 (hg19) VCF-style: chr13-32913844-C-CA.
Other names: 5580insA-ter1786; short protein forms T1785fs.
Identifiers: ClinVar variation 266874 (VCV000266874.3), dbSNP rs886040590, ClinGen allele CA10589311.